The following is an entry in ClinVar:

NM_007294.4(BRCA1):c.4749A>T (p.Arg1583Ser)

Gene: BRCA1 (BRCA1 DNA repair associated; minus strand). Cytogenetic location: 17q21.31.
Variant type: single nucleotide variant.
Coding change: c.4749A>T on transcript NM_007294.4 (MANE Select); coding-DNA position 4749, A replaced by T.
Protein change: p.Arg1583Ser; replaces arginine 1583 with serine.
Molecular consequence: missense variant. On other transcripts: non-coding transcript variant (1).
Genome position (GRCh38, 1-based): chr17:43,071,165, T>A on the plus strand (A>T on the coding strand, the complement: BRCA1 is on the minus strand). VCF-style: chr17-43071165-T-A. GRCh37 (hg19) VCF-style: chr17-41223182-T-A.
Other names: c.4536A>T, p.Arg1512Ser (NM_001407571.1, NM_001407894.1, NM_001407895.1 and 12 more transcripts); c.4815A>T, p.Arg1605Ser (NM_001407581.1, NM_001407582.1); c.4812A>T, p.Arg1604Ser (NM_001407583.1, NM_001407585.1, NM_001407587.1 and 1 more transcripts); c.4809A>T, p.Arg1603Ser (NM_001407590.1, NM_001407591.1); c.4749A>T, p.Arg1583Ser (NM_001407593.1, NM_001407594.1, NM_001407596.1 and 8 more transcripts); c.4746A>T, p.Arg1582Ser (NM_001407617.1, NM_001407618.1, NM_001407619.1 and 17 more transcripts); c.4743A>T, p.Arg1581Ser (NM_001407636.1, NM_001407637.1, NM_001407638.1 and 14 more transcripts); c.4740A>T, p.Arg1580Ser (NM_001407644.1, NM_001407645.1); and 70 more; short protein forms R1536S, R1583S, R1604S, R479S, R1454S, R1494S, R1511S, R1514S.
Identifiers: ClinVar variation 1496674 (VCV001496674.7), dbSNP rs1597831609, ClinGen allele CA10592010.

ClinVar aggregate classification (germline): Uncertain significance (1 of 4 stars; one submission).

Conditions:
Hereditary breast ovarian cancer syndrome. Also called: BRCA1- and BRCA2-Associated Hereditary Breast and Ovarian Cancer; Hereditary breast and ovarian cancer; Hereditary breast and/or ovarian cancer syndrome; Hereditary breast and ovarian cancer syndrome; Hereditary breast and ovarian cancer syndrome (HBOC); Breast and ovarian cancer. Identifiers: Orphanet 145, MedGen C0677776, MeSH D061325, MONDO:0003582. Disease mechanism: loss of function.

Submission:

Labcorp Genetics (formerly Invitae), Labcorp
Classification: Uncertain significance for Hereditary breast ovarian cancer syndrome. Last evaluated: 2024-03-15. Review status: criteria provided, single submitter. Criteria: Invitae Variant Classification Sherloc (09022015). Collection method: clinical testing. Allele origin: germline.
Comment: This sequence change replaces arginine, which is basic and polar, with serine, which is neutral and polar, at codon 1583 of the BRCA1 protein (p.Arg1583Ser). This variant is not present in population databases (gnomAD no frequency). This variant has not been reported in the literature in individuals affected with BRCA1-related conditions. ClinVar contains an entry for this variant (Variation ID: 1496674). Advanced modeling of protein sequence and biophysical properties (such as structural, functional, and spatial information, amino acid conservation, physicochemical variation, residue mobility, and thermodynamic stability) performed at Invitae indicates that this missense variant is not expected to disrupt BRCA1 protein function with a negative predictive value of 95%. In summary, the available evidence is currently insufficient to determine the role of this variant in disease. Therefore, it has been classified as a Variant of Uncertain Significance.